The following is an entry in ClinVar:

ClinVar aggregate classification (germline): Uncertain significance (1 of 4 stars; one submission).

Conditions:
Congenital myasthenic syndrome 2A. Also called: Myasthenic syndrome, congenital, 2a, slow-channel. Identifiers: Orphanet 590, MedGen C4225374, MONDO:0014581, OMIM 616313.

Submission:

Labcorp Genetics (formerly Invitae), Labcorp
Classification: Uncertain significance for Congenital myasthenic syndrome 2A. Last evaluated: 2020-05-21. Review status: criteria provided, single submitter. Criteria: Invitae Variant Classification Sherloc (09022015). Collection method: clinical testing. Allele origin: germline.
Comment: In summary, the available evidence is currently insufficient to determine the role of this variant in disease. Therefore, it has been classified as a Variant of Uncertain Significance. Algorithms developed to predict the effect of missense changes on protein structure and function are either unavailable or do not agree on the potential impact of this missense change (SIFT: "Deleterious"; PolyPhen-2: "Probably Damaging"; Align-GVGD: "Class C0"). This variant has not been reported in the literature in individuals with CHRNB1-related conditions. This variant is not present in population databases (ExAC no frequency). This sequence change replaces arginine with cysteine at codon 102 of the CHRNB1 protein (p.Arg102Cys). The arginine residue is moderately conserved and there is a large physicochemical difference between arginine and cysteine.

NM_000747.3(CHRNB1):c.304C>T (p.Arg102Cys)

Gene: CHRNB1 (cholinergic receptor nicotinic beta 1 subunit; plus strand). Cytogenetic location: 17p13.1.
Variant type: single nucleotide variant.
Coding change: c.304C>T on transcript NM_000747.3 (MANE Select); coding-DNA position 304, C replaced by T.
Protein change: p.Arg102Cys; replaces arginine 102 with cysteine.
Molecular consequence: missense variant.
Genome position (GRCh38, 1-based): chr17:7,446,893, C>T. VCF-style: chr17-7446893-C-T. GRCh37 (hg19) VCF-style: chr17-7350212-C-T.
Other names: short protein forms R102C.
Identifiers: ClinVar variation 1003394 (VCV001003394.8), dbSNP rs953970739, ClinGen allele CA287423837.